The following is an entry in ClinVar:

ClinVar aggregate classification (germline): Conflicting classifications of pathogenicity. Review status: criteria provided, conflicting classifications (1 of 4 stars). 2 submissions from 2 submitters: Uncertain significance (1); Benign (1). Last evaluated 2024-10-18.

Conditions:
Occult macular dystrophy (OCMD). Also called: OCCULT MACULAR DYSTROPHY, SUSCEPTIBILITY TO; OMD. Identifiers: Orphanet 247834, MedGen C3150833, MONDO:0013316, OMIM 613587, HP:0030636.

Allele frequency attached by ClinVar (database versions not stated): gnomAD 0.00061 and 0.00065.
gnomAD v4.1: 69 of 1,306,476 alleles (0.0053%); highest among the groups gnomAD compares: African/African-American, 0.079%; 1 homozygote.

Submissions (2):

Blueprint Genetics
Classification: Uncertain significance. Last evaluated: 2024-10-18. Review status: criteria provided, single submitter. Criteria: ACMG Guidelines, 2015. Collection method: clinical testing. Allele origin: germline.

Illumina Laboratory Services, Illumina
Classification: Benign for Occult macular dystrophy. Last evaluated: 2018-01-13. Review status: criteria provided, single submitter. Criteria: ICSL Variant Classification Criteria 13 December 2019. Collection method: clinical testing. Allele origin: germline.
Comment: This variant was observed in the ICSL laboratory as part of a predisposition screen in an ostensibly healthy population. It had not been previously curated by ICSL or reported in the Human Gene Mutation Database (HGMD: prior to June 1st, 2018), and was therefore a candidate for classification through an automated scoring system. Utilizing variant allele frequency, disease prevalence and penetrance estimates, and inheritance mode, an automated score was calculated to assess if this variant is too frequent to cause the disease. Based on the score and internal cut-off values, a variant classified as benign is not then subjected to further curation. The score for this variant resulted in a classification of benign for this disease.

NM_178857.6(RP1L1):c.4061C>T (p.Ala1354Val)

Gene: RP1L1 (RP1 like 1). Cytogenetic location: 8p23.1.
Variant type: single nucleotide variant.
Coding change: c.4061C>T on transcript NM_178857.6 (MANE Select); coding-DNA position 4061, C replaced by T.
Protein change: p.Ala1354Val; replaces alanine 1354 with valine.
Molecular consequence: missense variant.
Genome position (GRCh38, 1-based): chr8:10,610,037, G>A on the plus strand (C>T on the coding strand, the complement: RP1L1 is on the minus strand). VCF-style: chr8-10610037-G-A. GRCh37 (hg19) VCF-style: chr8-10467547-G-A.
Other names: short protein forms A1354V.
Identifiers: ClinVar variation 911188 (VCV000911188.5), dbSNP rs201532540, ClinGen allele CA4624160.